The following is an entry in ClinVar:

NC_000006.11:g.(?_105231941)_(105259288_?)dup

Gene: HACE1 (HECT domain and ankyrin repeat containing E3 ubiquitin protein ligase 1; minus strand). Cytogenetic location: 6q16.3.
Variant type: Duplication.
Identifiers: ClinVar variation 3246237 (VCV003246237.1).

ClinVar aggregate classification (germline): Uncertain significance (1 of 4 stars; one submission).

Submission:

Labcorp Genetics (formerly Invitae), Labcorp
Classification: Uncertain significance. Last evaluated: 2023-03-20. Review status: criteria provided, single submitter. Criteria: Invitae Variant Classification Sherloc (09022015). Collection method: clinical testing. Allele origin: unknown.
Comment: In summary, the available evidence is currently insufficient to determine the role of this variant in disease. Therefore, it has been classified as a Variant of Uncertain Significance. Experimental studies and prediction algorithms are not available or were not evaluated, and the functional significance of this variant is currently unknown. This variant has not been reported in the literature in individuals affected with HACE1-related conditions. This variant results in a copy number gain of the genomic region encompassing exon(s) 7-14 of the HACE1 gene. While the exact position of this variant cannot be determined from the data, sub-genic copy number gains are generally in tandem (PMID: 25640679). This variant is predicted to be in-frame, and likely preserves the integrity of the reading frame.

Literature cited by the submitters: PubMed 25640679.